The following is an entry in ClinVar:

ClinVar aggregate classification (germline): Pathogenic. Review status: criteria provided, multiple submitters, no conflicts (2 of 4 stars). 2 submissions from 2 submitters: Pathogenic (2). Last evaluated 2023-10-29.

Conditions:
Neurofibromatosis, type 1 (NF1). Also called: VON RECKLINGHAUSEN DISEASE; NEUROFIBROMATOSIS, TYPE I, SOMATIC; Peripheral type neurofibromatosis; Neurofibromatosis, type I. Identifiers: Orphanet 636, MedGen C0027831, MONDO:0018975, OMIM 162200. Disease mechanism: loss of function.

Submissions (2):

Labcorp Genetics (formerly Invitae), Labcorp
Classification: Pathogenic for Neurofibromatosis, type 1. Last evaluated: 2023-10-29. Review status: criteria provided, single submitter. Criteria: Invitae Variant Classification Sherloc (09022015). Collection method: clinical testing. Allele origin: germline.
Comment: This sequence change creates a premature translational stop signal (p.Val2230Leufs*13) in the NF1 gene. It is expected to result in an absent or disrupted protein product. Loss-of-function variants in NF1 are known to be pathogenic (PMID: 10712197, 23913538). This variant is not present in population databases (gnomAD no frequency). This variant has not been reported in the literature in individuals affected with NF1-related conditions. ClinVar contains an entry for this variant (Variation ID: 561927). Algorithms developed to predict the effect of sequence changes on RNA splicing suggest that this variant may disrupt the consensus splice site. For these reasons, this variant has been classified as Pathogenic.

GeneDx
Classification: Pathogenic. Last evaluated: 2018-06-25. Review status: criteria provided, single submitter. Criteria: GeneDx Variant Classification (06012015). Collection method: clinical testing. Allele origin: germline. Affected: yes.
Comment: The c.6688_6691delGTCT variant has not been published as a pathogenic variant, nor has it been reported as a benign variant to our knowledge. The variant is not observed in large population cohorts (Lek et al., 2016). It causes a frameshift starting with codon Valine 2230, changes this amino acid to a Leucine residue and creates a premature Stop codon at position 13 of the new reading frame, denoted p.Val2230LeufsX13. This variant is predicted to cause loss of normal protein function either through protein truncation or nonsense-mediated mRNA decay. In summary, we consider this variant to be pathogenic.

Literature cited by the submitters: PubMed 10712197 (cited by Labcorp Genetics (formerly Invitae), Labcorp); PubMed 23913538 (cited by Labcorp Genetics (formerly Invitae), Labcorp).

NM_001042492.3(NF1):c.6751_6754del (p.Val2251fs)

Gene: NF1 (neurofibromin 1; plus strand). Cytogenetic location: 17q11.2.
Variant type: Deletion.
Coding change: c.6751_6754del on transcript NM_001042492.3 (MANE Select); coding-DNA positions 6751 to 6754, 4 bases deleted (GTCT; older notation c.6751_6754delGTCT).
Protein change: p.Val2251fs; shifts the reading frame from valine 2251.
Molecular consequence: frameshift variant.
Genome position (GRCh38, 1-based): chr17:31,338,071-31,338,074, GTCT deleted; deleting any 4 consecutive bases within chr17:31,338,070-31,338,074 gives the same sequence; the c. name uses the placement nearest the transcript's 3' end. VCF-style (leftmost placement, unchanged base first): chr17-31338069-TTGTC-T. GRCh37 (hg19) VCF-style: chr17-29665087-TTGTC-T.
Other names: c.6688_6691delGTCT, p.Val2230Leufs (NM_000267.4); c.6688_6691delGTCT (NM_000267.3); short protein forms V2230fs, V2251fs.
Identifiers: ClinVar variation 561927 (VCV000561927.4), dbSNP rs1567617877, ClinGen allele CA658824586.